The following is an entry in ClinVar:

NM_024652.6(LRRK1):c.4820C>T (p.Thr1607Ile)

Genes: LRRK1 (leucine rich repeat kinase 1; plus strand), LRRK1-AS1 (LRRK1 antisense RNA 1; minus strand). Cytogenetic location: 15q26.3.
Variant type: single nucleotide variant.
Coding change: c.4820C>T on transcript NM_024652.6 (MANE Select); coding-DNA position 4820, C replaced by T.
Protein change: p.Thr1607Ile; replaces threonine 1607 with isoleucine.
Molecular consequence: missense variant.
Genome position (GRCh38, 1-based): chr15:101,062,596, C>T. VCF-style: chr15-101062596-C-T. GRCh37 (hg19) VCF-style: chr15-101602801-C-T.
Other names: short protein forms T1607I.
Identifiers: ClinVar variation 4699382 (VCV004699382.1).

ClinVar aggregate classification (germline): Uncertain significance (1 of 4 stars; one submission).

gnomAD v4.1: 13 of 1,613,762 alleles (0.00081%); highest among the groups gnomAD compares: African/African-American, 0.0027%; no homozygotes.

Submission:

Labcorp Genetics (formerly Invitae), Labcorp
Classification: Uncertain significance. Last evaluated: 2025-06-11. Review status: criteria provided, single submitter. Criteria: Invitae Variant Classification Sherloc (09022015). Collection method: clinical testing. Allele origin: germline.
Comment: This sequence change replaces threonine, which is neutral and polar, with isoleucine, which is neutral and non-polar, at codon 1607 of the LRRK1 protein (p.Thr1607Ile). This variant is present in population databases (no rsID available, gnomAD 0.007%). This variant has not been reported in the literature in individuals affected with LRRK1-related conditions. An algorithm developed to predict the effect of missense changes on protein structure and function (PolyPhen-2) suggests that this variant is likely to be tolerated. In summary, the available evidence is currently insufficient to determine the role of this variant in disease. Therefore, it has been classified as a Variant of Uncertain Significance.